The following is an entry in ClinVar:

ClinVar aggregate classification (germline): Uncertain significance. Review status: criteria provided, multiple submitters, no conflicts (2 of 4 stars). 2 submissions from 2 submitters: Uncertain significance (2). Last evaluated 2026-01-21.

Conditions:
Cardiovascular phenotype. Identifiers: MedGen CN230736.

Allele frequency attached by ClinVar (database versions not stated): gnomAD exomes below 0.00001; ExAC 0.00002.
gnomAD v4.1: 2 of 1,613,820 alleles (0.00012%); highest among the groups gnomAD compares: Non-Finnish European, 0.00017%; no homozygotes.

Submissions (2):

Ambry Genetics
Classification: Uncertain significance for Cardiovascular phenotype. Last evaluated: 2026-01-21. Review status: criteria provided, single submitter. Criteria: Ambry Variant Classification Scheme 2023. Collection method: clinical testing. Allele origin: germline.
Comment: The p.A594V variant (also known as c.1781C>T), located in coding exon 5 of the ALPK3 gene, results from a C to T substitution at nucleotide position 1781. The alanine at codon 594 is replaced by valine, an amino acid with similar properties. This amino acid position is conserved. In addition, this alteration is predicted to be tolerated by in silico analysis. Based on the available evidence, the clinical significance of this variant remains unclear.

Labcorp Genetics (formerly Invitae), Labcorp
Classification: Uncertain significance. Last evaluated: 2022-08-03. Review status: criteria provided, single submitter. Criteria: Invitae Variant Classification Sherloc (09022015). Collection method: clinical testing. Allele origin: germline.
Comment: In summary, the available evidence is currently insufficient to determine the role of this variant in disease. Therefore, it has been classified as a Variant of Uncertain Significance. Algorithms developed to predict the effect of missense changes on protein structure and function output the following: SIFT: "Tolerated"; PolyPhen-2: "Benign"; Align-GVGD: "Class C0". The valine amino acid residue is found in multiple mammalian species, which suggests that this missense change does not adversely affect protein function. This variant has not been reported in the literature in individuals affected with ALPK3-related conditions. This variant is present in population databases (rs774084724, gnomAD 0.002%). This sequence change replaces alanine, which is neutral and non-polar, with valine, which is neutral and non-polar, at codon 594 of the ALPK3 protein (p.Ala594Val).

NM_020778.5(ALPK3):c.1175C>T (p.Ala392Val)

Gene: ALPK3 (alpha kinase 3; plus strand). Cytogenetic location: 15q25.3.
Variant type: single nucleotide variant.
Coding change: c.1175C>T on transcript NM_020778.5 (MANE Select); coding-DNA position 1175, C replaced by T.
Protein change: p.Ala392Val; replaces alanine 392 with valine.
Molecular consequence: missense variant.
Genome position (GRCh38, 1-based): chr15:84,840,454, C>T. VCF-style: chr15-84840454-C-T. GRCh37 (hg19) VCF-style: chr15-85383685-C-T.
Other names: c.1781C>T (NM_020778.4); short protein forms A392V.
Identifiers: ClinVar variation 1905640 (VCV001905640.6), dbSNP rs774084724, ClinGen allele CA7709136.